The following is an entry in ClinVar:

ClinVar aggregate classification (germline): Uncertain significance (1 of 4 stars; one submission).

Submission:

GeneDx
Classification: Uncertain significance. Last evaluated: 2023-03-26. Review status: criteria provided, single submitter. Criteria: GeneDx Variant Classification Process June 2021. Collection method: clinical testing. Allele origin: germline. Affected: yes.
Comment: In silico analysis supports that this variant does not alter protein structure/function; Has not been previously published as pathogenic or benign to our knowledge; Not observed at significant frequency in large population cohorts (gnomAD)

NM_003923.3(FOXH1):c.39_41delinsCGT (p.Glu13_Ala14delinsAspVal)

Gene: FOXH1 (forkhead box H1; minus strand). Cytogenetic location: 8q24.3.
Variant type: Indel.
Coding change: c.39_41delinsCGT on transcript NM_003923.3 (MANE Select); coding-DNA positions 39 to 41, GGC replaced by CGT.
Protein change: p.Glu13_Ala14delinsAspVal.
Molecular consequence: missense variant.
Genome position (GRCh38, 1-based): chr8:144,475,716-144,475,718, GCC replaced by ACG on the plus strand (GGC replaced by CGT on the coding strand, the reverse complement: FOXH1 is on the minus strand). VCF-style: chr8-144475716-GCC-ACG. GRCh37 (hg19) VCF-style: chr8-145701099-GCC-ACG.
Identifiers: ClinVar variation 2581992 (VCV002581992.1), dbSNP rs2537641295, ClinGen allele CA2582341972.
Genomic context (GRCh38, chr8:144,475,716, plus strand): 5'-GGCTTGTCATGTCGCAGGTACCTCTTCTTCCTCCTCTTAGGGGGCTGGGAGGGCGACTCT[GCC>ACG]TCTGGGGGCCCCAGGCGGGAGCCGCTGCAGGGCCCCATGCGGGACGGTAGACAGCGTGGG-3'